The following is an entry in ClinVar:

ClinVar aggregate classification (germline): Benign (1 of 4 stars; one submission).

Conditions:
Immunodeficiency 51 (IMD51). Also called: CANDIDIASIS, FAMILIAL, 5. Identifiers: Orphanet 1334, MedGen C4310803, MONDO:0013500, OMIM 613953.

Allele frequency attached by ClinVar (database versions not stated): gnomAD 0.00005 and 0.00059; TOPMed 0.00016; 1000 Genomes Project 30x 0.00344; 1000 Genomes Project 0.00359.

Submission:

Illumina Laboratory Services, Illumina
Classification: Benign for Immunodeficiency 51. Last evaluated: 2018-01-13. Review status: criteria provided, single submitter. Criteria: ICSL Variant Classification Criteria 13 December 2019. Collection method: clinical testing. Allele origin: germline.
Comment: This variant was observed in the ICSL laboratory as part of a predisposition screen in an ostensibly healthy population. It had not been previously curated by ICSL or reported in the Human Gene Mutation Database (HGMD: prior to June 1st, 2018), and was therefore a candidate for classification through an automated scoring system. Utilizing variant allele frequency, disease prevalence and penetrance estimates, and inheritance mode, an automated score was calculated to assess if this variant is too frequent to cause the disease. Based on the score and internal cut-off values, a variant classified as benign is not then subjected to further curation. The score for this variant resulted in a classification of benign for this disease.

NM_014339.7(IL17RA):c.*3624G>A

Gene: IL17RA (interleukin 17 receptor A; plus strand). Cytogenetic location: 22q11.1.
Variant type: single nucleotide variant.
Coding change: c.*3624G>A on transcript NM_014339.7 (MANE Select); 3624 bases downstream of the stop codon, G replaced by A.
Molecular consequence: 3 prime UTR variant.
Genome position (GRCh38, 1-based): chr22:17,113,444, G>A. VCF-style: chr22-17113444-G-A. GRCh37 (hg19) VCF-style: chr22-17594334-G-A.
Other names: c.*3624G>A (NM_001289905.2).
Identifiers: ClinVar variation 896814 (VCV000896814.4), dbSNP rs563135481, ClinGen allele CA321156293.